The following is an entry in ClinVar:

NC_000006.11:g.(?_65098563)_(65336158_?)del

Gene: EYS (eyes shut homolog; minus strand). Cytogenetic location: 6q12.
Variant type: Deletion.
Identifiers: ClinVar variation 1408679 (VCV001408679.7).

ClinVar aggregate classification (germline): Pathogenic (1 of 4 stars; one submission).

Submission:

Labcorp Genetics (formerly Invitae), Labcorp
Classification: Pathogenic. Last evaluated: 2022-07-05. Review status: criteria provided, single submitter. Criteria: Invitae Variant Classification Sherloc (09022015). Collection method: clinical testing. Allele origin: germline.
Comment: For these reasons, this variant has been classified as Pathogenic. This variant has not been reported in the literature in individuals affected with EYS-related conditions. This variant is a gross deletion of the genomic region encompassing exon(s) 23-29 of the EYS gene. This deletion is out-of-frame, and is expected to create a premature termination codon and result in an absent or disrupted protein product. Loss-of-function variants in EYS are known to be pathogenic (PMID: 18836446, 20333770).

Literature cited by the submitters: PubMed 18836446; PubMed 20333770.